The following is an entry in ClinVar:

NM_144687.4(NLRP12):c.2299A>G (p.Ile767Val)

Gene: NLRP12 (NLR family pyrin domain containing 12; minus strand). Cytogenetic location: 19q13.42.
Variant type: single nucleotide variant.
Coding change: c.2299A>G on transcript NM_144687.4 (MANE Select); coding-DNA position 2299, A replaced by G.
Protein change: p.Ile767Val; replaces isoleucine 767 with valine.
Molecular consequence: missense variant.
Genome position (GRCh38, 1-based): chr19:53,805,395, T>C on the plus strand (A>G on the coding strand, the complement: NLRP12 is on the minus strand). VCF-style: chr19-53805395-T-C. GRCh37 (hg19) VCF-style: chr19-54308649-T-C.
Other names: c.2302A>G, p.Ile768Val (NM_001277126.2); c.2299A>G, p.Ile767Val (NM_001277129.1); short protein forms I768V, I767V.
Identifiers: ClinVar variation 2008141 (VCV002008141.4), dbSNP rs2514290869, ClinGen allele CA407410588.
Genomic context (GRCh38, chr19:53,805,395, plus strand): 5'-TGCCTGGGAATCCAACGCCGTTGCCACTGAGATCCATCCTTGTCAAATTCTTATTGGCTA[T>C]GAGAGCTGCAGAGAGGTCCTCGCAGGCTGAGCTGGAGATGCGGCACCTCTTCAGCCTGGG-3'
Protein context (NP_653288.1, residues 757-777): SACEDLSAAL[Ile767Val]ANKNLTRMDL

ClinVar aggregate classification (germline): Uncertain significance (1 of 4 stars; one submission).

Conditions:
Familial cold autoinflammatory syndrome 2 (FCAS2). Identifiers: Orphanet 247868, MedGen C2673198, MONDO:0012724, OMIM 611762.

Allele frequency attached by ClinVar (database versions not stated): gnomAD exomes below 0.00001.
gnomAD v4.1: 1 of 1,614,066 alleles (0.000062%); highest among the groups gnomAD compares: Non-Finnish European, 0.000085%; no homozygotes.

Submission:

Labcorp Genetics (formerly Invitae), Labcorp
Classification: Uncertain significance for Familial cold autoinflammatory syndrome 2. Last evaluated: 2022-06-26. Review status: criteria provided, single submitter. Criteria: Invitae Variant Classification Sherloc (09022015). Collection method: clinical testing. Allele origin: germline.
Comment: In summary, the available evidence is currently insufficient to determine the role of this variant in disease. Therefore, it has been classified as a Variant of Uncertain Significance. Algorithms developed to predict the effect of missense changes on protein structure and function output the following: SIFT: "Tolerated"; PolyPhen-2: "Benign"; Align-GVGD: "Class C0". The valine amino acid residue is found in multiple mammalian species, which suggests that this missense change does not adversely affect protein function. This variant has not been reported in the literature in individuals affected with NLRP12-related conditions. This variant is not present in population databases (gnomAD no frequency). This sequence change replaces isoleucine, which is neutral and non-polar, with valine, which is neutral and non-polar, at codon 767 of the NLRP12 protein (p.Ile767Val).